The following is an entry in ClinVar:

NM_152564.5(VPS13B):c.5678_5679del (p.Leu1893fs)

Gene: VPS13B (vacuolar protein sorting 13 homolog B; plus strand). Cytogenetic location: 8q22.2.
Variant type: Deletion.
Coding change: c.5678_5679del on transcript NM_152564.5 (MANE Select); coding-DNA positions 5678 to 5679, 2 bases deleted (TT; older notation c.5678_5679delTT).
Protein change: p.Leu1893fs; shifts the reading frame from leucine 1893.
Molecular consequence: frameshift variant.
Genome position (GRCh38, 1-based): chr8:99,642,268-99,642,269, TT deleted. VCF-style (leftmost placement, unchanged base first): chr8-99642267-CTT-C. GRCh37 (hg19) VCF-style: chr8-100654495-CTT-C.
Other names: c.5753_5754delTT (NM_017890.4, NM_017890.3); c.5753_5754del, p.Leu1918fs (NM_017890.5); short protein forms L1918fs, L1893fs.
Identifiers: ClinVar variation 280368 (VCV000280368.11), dbSNP rs886041586, ClinGen allele CA10603073.

ClinVar aggregate classification (germline): Pathogenic/Likely pathogenic. Review status: criteria provided, multiple submitters, no conflicts (2 of 4 stars). 4 submissions from 4 submitters: Pathogenic (2); Likely pathogenic (1). 1 of the submissions does not count toward it. Last evaluated 2025-10-21.

Conditions:
Cohen syndrome (COH1). Also called: Cutis verticis gyrata, retinitis pigmentosa, and sensorineural deafness; PEPPER SYNDROME. Identifiers: Orphanet 193, MedGen C0265223, MONDO:0008999, OMIM 216550.

Allele frequency attached by ClinVar (database versions not stated): gnomAD 0.00001; TOPMed 0.00001.

Submissions (4):

Labcorp Genetics (formerly Invitae), Labcorp
Classification: Pathogenic for Cohen syndrome. Last evaluated: 2025-10-21. Review status: criteria provided, single submitter. Criteria: Invitae Variant Classification Sherloc (09022015). Collection method: clinical testing. Allele origin: germline.
Comment: This sequence change creates a premature translational stop signal (p.Leu1918Argfs*12) in the VPS13B gene. It is expected to result in an absent or disrupted protein product. Loss-of-function variants in VPS13B are known to be pathogenic (PMID: 15141358, 16648375, 20461111). This variant is not present in population databases (gnomAD no frequency). This variant has not been reported in the literature in individuals affected with VPS13B-related conditions. ClinVar contains an entry for this variant (Variation ID: 280368). For these reasons, this variant has been classified as Pathogenic.

Natera, Inc.
Classification: Likely pathogenic for Cohen syndrome. Last evaluated: 2024-04-18. Review status: criteria provided, single submitter. Criteria: Natera Variant Classification Schema (03/2026). Collection method: clinical testing. Allele origin: germline.
Comment: The c.5753_5754delTT variant in VPS13B is a frameshift variant predicted to shift the reading frame beginning at codon 1918 and leads to a stop codon 12 codons downstream. This variant is expected to result in nonsense mediated decay, truncation, or a dysfunctional protein product. This variant is rare in the general population with a frequency below the threshold expected for the associated phenotype(s). Given the available evidence, this variant is classified as Likely Pathogenic.

GeneDx
Classification: Pathogenic. Last evaluated: 2019-05-30. Review status: criteria provided, single submitter. Criteria: GeneDx Variant Classification Process June 2021. Collection method: clinical testing. Allele origin: germline. Affected: yes.
Comment: Frameshift variant predicted to result in protein truncation or nonsense mediated decay in a gene for which loss-of-function is a known mechanism of disease; Not observed in large population cohorts (Lek et al., 2016); Has not been previously published as pathogenic or benign to our knowledge

Counsyl
Classification: Likely pathogenic for Cohen syndrome. Last evaluated: 2018-03-14. Review status: no assertion criteria provided. Collection method: clinical testing. Allele origin: unknown. Not counted in ClinVar's aggregate classification.

Literature cited by the submitters: PubMed 15141358 (cited by Labcorp Genetics (formerly Invitae), Labcorp); PubMed 16648375 (cited by Labcorp Genetics (formerly Invitae), Labcorp); PubMed 20461111 (cited by Labcorp Genetics (formerly Invitae), Labcorp).